The following is an entry in ClinVar:

ClinVar aggregate classification (germline): Uncertain significance. Review status: criteria provided, multiple submitters, no conflicts (2 of 4 stars). 3 submissions from 3 submitters: Uncertain significance (3). Last evaluated 2025-06-12.

Conditions:
Cone-rod dystrophy 2 (CORD2). Also called: CONE-ROD RETINAL DYSTROPHY; Cone-rod retinal dystrophy 2. Identifiers: Orphanet 1872, MedGen C3489532, MONDO:0007362, OMIM 120970.
Leber congenital amaurosis 7 (LCA7). Identifiers: Orphanet 65, MedGen C3151192, MONDO:0013449, OMIM 613829.
CRX-related disorder. Also called: CRX-related condition.

Allele frequency attached by ClinVar (database versions not stated): gnomAD exomes 0.00001 and 0.00005; ExAC 0.00003; TOPMed 0.00005.

Submissions (3):

PreventionGenetics, part of Exact Sciences
Classification: Uncertain significance for CRX-related condition. Last evaluated: 2025-06-12. Review status: criteria provided, single submitter. Criteria: ACMG Guidelines, 2015. Collection method: clinical testing. Allele origin: germline.
Comment: The CRX c.344G>A variant is predicted to result in the amino acid substitution p.Arg115Gln. This variant has been reported in an individual with retinitis pigmentosa (Sohocki et al. 2001. PubMed ID: 11139241). This variant is reported in 0.023% of alleles in individuals of Latino descent in gnomAD, which may be too frequent to be a primary cause of disease. At this time, the clinical significance of this variant is uncertain due to the absence of conclusive functional and genetic evidence.

Labcorp Genetics (formerly Invitae), Labcorp
Classification: Uncertain significance for Cone-rod dystrophy 2; Leber congenital amaurosis 7. Last evaluated: 2024-10-28. Review status: criteria provided, single submitter. Criteria: Invitae Variant Classification Sherloc (09022015). Collection method: clinical testing. Allele origin: germline.
Comment: This sequence change replaces arginine, which is basic and polar, with glutamine, which is neutral and polar, at codon 115 of the CRX protein (p.Arg115Gln). This variant is present in population databases (rs750727986, gnomAD 0.03%). This missense change has been observed in individual(s) with retinitis pigmentosa (PMID: 11139241). ClinVar contains an entry for this variant (Variation ID: 950982). Invitae Evidence Modeling of protein sequence and biophysical properties (such as structural, functional, and spatial information, amino acid conservation, physicochemical variation, residue mobility, and thermodynamic stability) indicates that this missense variant is not expected to disrupt CRX protein function with a negative predictive value of 95%. In summary, the available evidence is currently insufficient to determine the role of this variant in disease. Therefore, it has been classified as a Variant of Uncertain Significance.

Blueprint Genetics
Classification: Uncertain significance. Last evaluated: 2024-04-04. Review status: criteria provided, single submitter. Criteria: ACMG Guidelines, 2015. Collection method: clinical testing. Allele origin: germline.

Literature cited by the submitters: PubMed 11139241 (cited by Labcorp Genetics (formerly Invitae), Labcorp).

NM_000554.6(CRX):c.344G>A (p.Arg115Gln)

Gene: CRX (cone-rod homeobox; plus strand). Cytogenetic location: 19q13.33.
Variant type: single nucleotide variant.
Coding change: c.344G>A on transcript NM_000554.6 (MANE Select); coding-DNA position 344, G replaced by A.
Protein change: p.Arg115Gln; replaces arginine 115 with glutamine.
Molecular consequence: missense variant.
Genome position (GRCh38, 1-based): chr19:47,839,411, G>A. VCF-style: chr19-47839411-G-A. GRCh37 (hg19) VCF-style: chr19-48342668-G-A.
Other names: c.344G>A (NM_000554.5); short protein forms R115Q.
Identifiers: ClinVar variation 950982 (VCV000950982.11), dbSNP rs750727986, ClinGen allele CA9544473.